The following is an entry in ClinVar:

ClinVar aggregate classification (germline): Pathogenic. Review status: reviewed by expert panel (3 of 4 stars). 12 submissions from 12 submitters: Pathogenic (1). 11 of the submissions do not count toward it. Last evaluated 2025-11-19.

Conditions:
Congenital glaucoma. Identifiers: MedGen C0020302, MONDO:0020366.
Anterior segment dysgenesis 6 (ASGD6). Also called: Anterior segment dysgenesis 6, multiple subtypes. Identifiers: MedGen C4310623, MONDO:0015016, OMIM 617315.
CYP1B1-related disorder. Also called: CYP1B1-Related Disorders. Identifiers: MedGen CN239260.
Congenital ocular coloboma. Also called: COLOBOMA OF IRIS, CHOROID, AND RETINA; COLOBOMA, UVEORETINAL; Coloboma of eye; Coloboma. Identifiers: Orphanet 194, MedGen C0009363, MONDO:0001476, HP:0000589.
Glaucoma 3A. Also called: Glaucoma 3, primary congenital, A. Identifiers: Orphanet 98976, Orphanet 98977, MedGen C1856439, MONDO:0009277, OMIM 231300.
CYP1B1-related glaucoma with or without anterior segment dysgenesis. Identifiers: MedGen CN375931, MONDO:0800472.

Submissions (12):

ClinGen Glaucoma Variant Curation Expert Panel
Classification: Pathogenic for CYP1B1-related glaucoma with or without anterior segment dysgenesis. Last evaluated: 2025-11-19. Review status: reviewed by expert panel. Criteria: ClinGen CYP1B1 ACMG Specifications V1 Approved. Collection method: curation. Allele origin: germline. Inheritance: Autosomal recessive inheritance.
Comment: The c.868dup variant in CYP1B1 is a duplication of a single nucleotide, predicted to encode a frameshift with consequent premature termination of the protein at codon 37 of the frameshift, or amino acid 326 (p.Arg290ProfsTer37). The highest minor allele frequency of this variant was in the Middle Eastern genetic ancestry group of gnomAD (v4.1) = 0.0001647 (1 allele out of 6072), which met the ≤ 0.0005 threshold set for PM2_Supporting in a genetic ancestry group of at least 2,000 alleles. This frameshift variant was predicted to undergo NMD (PVS1 met). There was no functional evidence predicting a damaging or benign impact of this variant on CYP1B1 function. 3 affected segregations with a CYP1B1-related phenotype have been reported (PMID: 25018621), which fulfilled PP1_Strong. There were more family studies published than presented here. This variant has been identified in seven individuals with a CYP1B1-related phenotype. Three individuals are compound heterozygous for the variant and a pathogenic or likely pathogenic variant (confirmed in trans) for the variant. Four individuals are homozygous (consanguineous) for the variant (PMIDs: 30820150, 25018621, 33745036, 17893647, 35170016, 21815720, 38990107). Total points = 4, meeting PM3_Very strong. There were more cases published than presented here. In summary, this variant met the criteria to receive a score of 21 and to be classified as pathogenic (pathogenic classification ≥ 10, adapted from PMID: 32720330) for CYP1B1- related glaucoma with or without anterior segment dysgenesis (ASD) based on the ACMG/AMP criteria met, as specified by the ClinGen Glaucoma VCEP (v1.0, 06.11.2025): PVS1, PM3_Very strong, PP1_Strong, PM2_Supporting.

Fulgent Genetics
Classification: Pathogenic for Glaucoma 3A; Anterior segment dysgenesis 6. Last evaluated: 2024-04-20. Review status: criteria provided, single submitter. Criteria: ACMG Guidelines, 2015. Collection method: clinical testing. Allele origin: germline. Not counted in ClinVar's aggregate classification.

Baylor Genetics
Classification: Pathogenic for Anterior segment dysgenesis 6. Last evaluated: 2024-02-25. Review status: criteria provided, single submitter. Criteria: ACMG Guidelines, 2015. Collection method: clinical testing. Allele origin: unknown. Not counted in ClinVar's aggregate classification.

Revvity Omics, Revvity
Classification: Pathogenic. Last evaluated: 2024-01-25. Review status: criteria provided, single submitter. Criteria: ACMG Guidelines, 2015. Collection method: clinical testing. Allele origin: germline. Not counted in ClinVar's aggregate classification.

Labcorp Genetics (formerly Invitae), Labcorp
Classification: Pathogenic for Congenital glaucoma. Last evaluated: 2023-12-28. Review status: criteria provided, single submitter. Criteria: Invitae Variant Classification Sherloc (09022015). Collection method: clinical testing. Allele origin: germline. Not counted in ClinVar's aggregate classification.
Comment: This sequence change creates a premature translational stop signal (p.Arg290Profs*37) in the CYP1B1 gene. It is expected to result in an absent or disrupted protein product. Loss-of-function variants in CYP1B1 are known to be pathogenic (PMID: 9097971, 9497261, 19234632). This variant is present in population databases (rs587778875, gnomAD 0.01%). This premature translational stop signal has been observed in individuals with primary congenital glaucoma or juvenile open angle glaucoma (PMID: 9097971, 17591938, 25091052, 25950505). It has also been observed to segregate with disease in related individuals. This variant is also known as c.862insC and single cytosine base insertion (nt 1209- 1214). ClinVar contains an entry for this variant (Variation ID: 68468). For these reasons, this variant has been classified as Pathogenic.

Blueprint Genetics
Classification: Pathogenic for CYP1B1-related disorders. Last evaluated: 2022-11-24. Review status: criteria provided, single submitter. Criteria: ACMG Guidelines, 2015. Collection method: clinical testing. Allele origin: germline. Affected: yes. Observed: 5 variant alleles. Not counted in ClinVar's aggregate classification.

GeneDx
Classification: Pathogenic. Last evaluated: 2021-04-12. Review status: criteria provided, single submitter. Criteria: GeneDx Variant Classification Process June 2021. Collection method: clinical testing. Allele origin: germline. Affected: yes. Not counted in ClinVar's aggregate classification.
Comment: Frameshift variant predicted to result in protein truncation or nonsense mediated decay in a gene for which loss-of-function is a known mechanism of disease; This variant is associated with the following publications: (PMID: 30820150, 24281366, 25091052, 17893647, 17591938, 25018621, 9097971, 25950505, 31589614)

Illumina Laboratory Services, Illumina
Classification: Pathogenic for CYP1B1-Related Disorders. Last evaluated: 2018-10-16. Review status: criteria provided, single submitter. Criteria: ICSL Variant Classification Criteria 09 May 2019. Collection method: clinical testing. Allele origin: germline. Not counted in ClinVar's aggregate classification.
Comment: The CYP1B1 c.868dupC (p.Arg290ProfsTer37) variant results in a frameshift and is predicted to result in premature termination of the protein. The p.Arg290ProfsTer37 variant has been reported in at least five studies and is found in a total of 11 individuals from six families including ten in a homozygous state and one in a compound heterozygous state (Stoilov et al. 1997; Bagiyeva et al. 2007; Micheal et al. 2014; Prokudin et al. 2014; Souzeau et al. 2015). Of note, the proband's mildly affected brother did not have the p.Arg290ProfsTer37 variant and therefore the variant's contribution to disease is difficult to ascertain in this family (Prokudin et al. 2014). One affected homozygous individual presented with juvenile open-angle glaucoma, not primary congenital glaucoma (Souzeau et al. 2015). The p.Arg290ProfsTer37 variant was absent from 690 controls and is reported at a frequency of 0.00008 in the European (non-Finnish) population of the Exome Aggregation Consortium. Due to the potential impact of frameshift variants and the evidence in the literature, the p.Arg290ProfsTer37 variant is classified as pathogenic for CYP1B1-related disorders. This variant was observed by ICSL as part of a predisposition screen in an ostensibly healthy population.

Eurofins Ntd Llc (ga)
Classification: Pathogenic. Last evaluated: 2018-02-07. Review status: criteria provided, single submitter. Criteria: EGL Classification Definitions 2015. Collection method: clinical testing. Allele origin: germline. Observed: 1 variant allele, 1 heterozygote. Not counted in ClinVar's aggregate classification.

Institute of Basic Medical Sciences, Khyber Medical University, Peshawar
Classification: Pathogenic for Glaucoma 3A. Last evaluated: 2023-12-06. Review status: no assertion criteria provided. Collection method: research. Allele origin: germline. Inheritance: Autosomal recessive inheritance. Affected: yes. Observed: 1 homozygote. Not counted in ClinVar's aggregate classification.
Comment: A known frameshift homozygous mutation, c.868dupC was identified in CYP1B1 gene in Pakistani families. Later on, segregation studies also confirmed the mutation in other affected individuals in homozygous state while found in heterozygous pattern in parents and other normal siblings. All patients had uncontrollable IOP and bilateral corneal opacity with no perception of light. all the carriers of c.868dupC were phenotypically normal. Reference PMID: 30820150

Eye Genetics Research Group, Children's Medical Research Institute
Classification: Uncertain significance for Coloboma. Last evaluated: 2012-03-30. Review status: no assertion criteria provided. Collection method: research. Allele origin: maternal. Affected: yes. Not counted in ClinVar's aggregate classification.

OMIM
Classification: Pathogenic for GLAUCOMA 3, PRIMARY CONGENITAL, A. Last evaluated: 1997-04-01. Review status: no assertion criteria provided. Collection method: literature only. Allele origin: germline. Not counted in ClinVar's aggregate classification.

Literature cited by the submitters: PubMed 9097971 (cited by 4 submitters); PubMed 9497261 (cited by Labcorp Genetics (formerly Invitae), Labcorp); PubMed 19234632 (cited by Labcorp Genetics (formerly Invitae), Labcorp); PubMed 17591938 (cited by Labcorp Genetics (formerly Invitae), Labcorp); PubMed 25091052 (cited by 3 submitters); PubMed 25950505 (cited by 3 submitters); PubMed 17893647 (cited by Illumina Laboratory Services, Illumina); PubMed 24281366 (cited by Illumina Laboratory Services, Illumina and Eye Genetics Research Group, Children's Medical Research Institute); PubMed 30820150 (cited by Institute of Basic Medical Sciences, Khyber Medical University, Peshawar).

NM_000104.4(CYP1B1):c.868dup (p.Arg290fs)

Gene: CYP1B1 (cytochrome P450 family 1 subfamily B member 1; minus strand). Cytogenetic location: 2p22.2.
Variant type: Duplication.
Coding change: c.868dup on transcript NM_000104.4 (MANE Select); coding-DNA position 868, one base duplicated (C; older notation c.868dupC).
Protein change: p.Arg290fs; shifts the reading frame from arginine 290.
Molecular consequence: frameshift variant.
Genome position (GRCh38, 1-based): chr2:38,074,521, G duplicated on the plus strand (C on the coding strand, the reverse complement: CYP1B1 is on the minus strand); the first of 6 consecutive G bases (chr2:38,074,521-38,074,526); duplicating any one gives the same sequence. VCF-style (leftmost placement, unchanged base first): chr2-38074520-C-CG. GRCh37 (hg19) VCF-style: chr2-38301663-C-CG.
Other names: NM_000104.4(CYP1B1):c.868dup; p.Arg290fs; c.868dupC (NM_000104.3, NM_000104.4); short protein forms R290fs.
Identifiers: ClinVar variation 68468 (VCV000068468.26), dbSNP rs587778875, ClinGen allele CA145184.